The following is an entry in ClinVar:

NM_198994.3(TGM6):c.1326G>A (p.Lys442=)

Gene: TGM6 (transglutaminase 6; plus strand). Cytogenetic location: 20p13.
Variant type: single nucleotide variant.
Coding change: c.1326G>A on transcript NM_198994.3 (MANE Select); coding-DNA position 1326, G replaced by A.
Protein change: p.Lys442=; no amino-acid change (lysine 442 retained).
Molecular consequence: synonymous variant.
Genome position (GRCh38, 1-based): chr20:2,403,813, G>A. VCF-style: chr20-2403813-G-A. GRCh37 (hg19) VCF-style: chr20-2384459-G-A.
Other names: c.1326G>A, p.Lys442= (NM_001254734.2).
Identifiers: ClinVar variation 3045804 (VCV003045804.2), dbSNP rs752575866, ClinGen allele CA9732045.

ClinVar aggregate classification (germline): Likely benign (0 of 4 stars; one submission).

Conditions:
TGM6-related disorder. Also called: TGM6-related condition.

Allele frequency attached by ClinVar (database versions not stated): ExAC 0.00001.
gnomAD v4.1: 9 of 1,614,144 alleles (0.00056%); highest among the groups gnomAD compares: African/African-American, 0.0027%; no homozygotes.

Submission:

PreventionGenetics, part of Exact Sciences
Classification: Likely benign for TGM6-related condition. Last evaluated: 2022-05-24. Review status: no assertion criteria provided. Collection method: clinical testing. Allele origin: germline.
Comment: This variant is classified as likely benign based on ACMG/AMP sequence variant interpretation guidelines (Richards et al. 2015 PMID: 25741868, with internal and published modifications).